The following is an entry in ClinVar:

NM_000350.3(ABCA4):c.3041T>G (p.Leu1014Arg)

Gene: ABCA4 (ATP binding cassette subfamily A member 4; minus strand). Cytogenetic location: 1p22.1.
Variant type: single nucleotide variant.
Coding change: c.3041T>G on transcript NM_000350.3 (MANE Select); coding-DNA position 3041, T replaced by G.
Protein change: p.Leu1014Arg; replaces leucine 1014 with arginine.
Molecular consequence: missense variant.
Genome position (GRCh38, 1-based): chr1:94,044,622, A>C on the plus strand (T>G on the coding strand, the complement: ABCA4 is on the minus strand). VCF-style: chr1-94044622-A-C. GRCh37 (hg19) VCF-style: chr1-94510178-A-C.
Other names: c.2819T>G, p.Leu940Arg (NM_001425324.1); short protein forms L1014R, L940R.
Identifiers: ClinVar variation 99191 (VCV000099191.9), dbSNP rs61749456, ClinGen allele CA227072.

ClinVar aggregate classification (germline): Pathogenic/Likely pathogenic. Review status: criteria provided, multiple submitters, no conflicts (2 of 4 stars). 5 submissions from 5 submitters: Pathogenic (1); Likely pathogenic (2). 2 of the submissions do not count toward it. Last evaluated 2026-01-05.

Conditions:
ABCA4-related disorder. Also called: ABCA4-related condition; ABCA4-related disorders. Identifiers: MedGen CN239167.
Severe early-childhood-onset retinal dystrophy (STGD1). Also called: MACULAR DYSTROPHY WITH FLECKS, TYPE 1; STGD; Stargardt disease 1; Stargardt macular dystrophy; Juvenile onset macular degeneration. Identifiers: Orphanet 364055, Orphanet 827, MedGen C1855465, MeSH D000080362, MONDO:0009549, OMIM 248200.

Allele frequency attached by ClinVar (database versions not stated): gnomAD 0.00001; gnomAD exomes below 0.00001; TOPMed 0.00001.
gnomAD v4.1: 3 of 1,614,104 alleles (0.00019%); highest among the groups gnomAD compares: African/African-American, 0.0013%; no homozygotes.

Submissions (5):

Labcorp Genetics (formerly Invitae), Labcorp
Classification: Pathogenic. Last evaluated: 2026-01-05. Review status: criteria provided, single submitter. Criteria: Invitae Variant Classification Sherloc (09022015). Collection method: clinical testing. Allele origin: germline.
Comment: This sequence change replaces leucine, which is neutral and non-polar, with arginine, which is basic and polar, at codon 1014 of the ABCA4 protein (p.Leu1014Arg). This variant is not present in population databases (gnomAD no frequency). This missense change has been observed in individual(s) with Stargardt disease (PMID: 11328725, 15579991, 23419329, 29925512, 31015497; internal data). In at least one individual the data is consistent with being in trans (on the opposite chromosome) from a pathogenic variant. ClinVar contains an entry for this variant (Variation ID: 99191). Invitae Evidence Modeling of protein sequence and biophysical properties (such as structural, functional, and spatial information, amino acid conservation, physicochemical variation, residue mobility, and thermodynamic stability) indicates that this missense variant is expected to disrupt ABCA4 protein function with a positive predictive value of 95%. For these reasons, this variant has been classified as Pathogenic.

Blueprint Genetics
Classification: Likely pathogenic for ABCA4-related disorders. Last evaluated: 2021-08-24. Review status: criteria provided, single submitter. Criteria: ACMG Guidelines, 2015. Collection method: clinical testing. Allele origin: germline. Affected: yes. Observed: 3 variant alleles.

GeneDx
Classification: Likely pathogenic. Last evaluated: 2016-02-04. Review status: criteria provided, single submitter. Criteria: GeneDx Variant Classification (06012015). Collection method: clinical testing. Allele origin: germline. Affected: yes.
Comment: The L1014R variant has been reported previously in association with Stargardt disease (Webster et al., 2001; ChacÃ³n-Camacho et al., 2013; Oh et al., 2004). The L1014R variant was not observed in approximately 6,500 individuals of European and African American ancestry in the NHLBI Exome Sequencing Project, indicating it is not a common benign variant in these populations. The L1014R variant is a non-conservative amino acid substitution, which is likely to impact secondary protein structure as these residues differ in polarity, charge, size and/or other properties. This substitution occurs at a position that is conserved across species. In silico analysis predicts this variant is probably damaging to the protein structure/function. Missense variants in nearby residues (F1015I, F1015L, T1019A, T1019M) have been reported in the Human Gene Mutation Database in association with ABCA4-related disorders (Stenson et al., 2014). Therefore, this variant is likely pathogenic; however, the possibility that it is benign cannot be excluded.

Ophthalmo-Genetics Lab, Instituto de Oftalmologia Conde de Valenciana
Classification: Pathogenic for Severe early-childhood-onset retinal dystrophy. Review status: no assertion criteria provided. Collection method: research. Allele origin: germline. Inheritance: Autosomal recessive inheritance. Affected: yes. Not counted in ClinVar's aggregate classification.

Retina International
No classification provided. Review status: no classification provided. Collection method: not provided. Allele origin: not provided. Not counted in ClinVar's aggregate classification.

Literature cited by the submitters: PubMed 11328725 (cited by Labcorp Genetics (formerly Invitae), Labcorp); PubMed 15579991 (cited by Labcorp Genetics (formerly Invitae), Labcorp); PubMed 23419329 (cited by Labcorp Genetics (formerly Invitae), Labcorp and Ophthalmo-Genetics Lab, Instituto de Oftalmologia Conde de Valenciana); PubMed 29925512 (cited by Labcorp Genetics (formerly Invitae), Labcorp); PubMed 31015497 (cited by Labcorp Genetics (formerly Invitae), Labcorp).